The following is an entry in ClinVar:

NM_015466.4(PTPN23):c.890C>T (p.Ala297Val)

Gene: PTPN23 (protein tyrosine phosphatase non-receptor type 23; plus strand). Cytogenetic location: 3p21.31.
Variant type: single nucleotide variant.
Coding change: c.890C>T on transcript NM_015466.4 (MANE Select); coding-DNA position 890, C replaced by T.
Protein change: p.Ala297Val; replaces alanine 297 with valine.
Molecular consequence: missense variant.
Genome position (GRCh38, 1-based): chr3:47,407,334, C>T. VCF-style: chr3-47407334-C-T. GRCh37 (hg19) VCF-style: chr3-47448824-C-T.
Other names: c.512C>T, p.Ala171Val (NM_001304482.2); c.890C>T (NM_015466.2); short protein forms A171V, A297V.
Identifiers: ClinVar variation 843686 (VCV000843686.5), dbSNP rs146035301, ClinGen allele CA2365545.

ClinVar aggregate classification (germline): Uncertain significance. Review status: criteria provided, multiple submitters, no conflicts (2 of 4 stars). 2 submissions from 2 submitters: Uncertain significance (2). Last evaluated 2024-04-26.

Allele frequency attached by ClinVar (database versions not stated): gnomAD exomes 0.00006 and 0.00011; ESP Exome Variant Server 0.00008; ExAC 0.00009; gnomAD 0.00009; TOPMed 0.00014; 1000 Genomes Project 0.00020; 1000 Genomes Project 30x 0.00031.
gnomAD v4.1: 181 of 1,614,014 alleles (0.011%); highest among the groups gnomAD compares: Admixed American, 0.017%; 1 homozygote.

Submissions (2):

GeneDx
Classification: Uncertain significance. Last evaluated: 2024-04-26. Review status: criteria provided, single submitter. Criteria: GeneDx Variant Classification Process June 2021. Collection method: clinical testing. Allele origin: germline. Affected: yes.
Comment: In silico analysis supports that this missense variant has a deleterious effect on protein structure/function; Has not been previously published as pathogenic or benign to our knowledge

Labcorp Genetics (formerly Invitae), Labcorp
Classification: Uncertain significance. Last evaluated: 2022-08-01. Review status: criteria provided, single submitter. Criteria: Invitae Variant Classification Sherloc (09022015). Collection method: clinical testing. Allele origin: germline.
Comment: This sequence change replaces alanine, which is neutral and non-polar, with valine, which is neutral and non-polar, at codon 297 of the PTPN23 protein (p.Ala297Val). This variant is present in population databases (rs146035301, gnomAD 0.01%). This variant has not been reported in the literature in individuals affected with PTPN23-related conditions. ClinVar contains an entry for this variant (Variation ID: 843686). Algorithms developed to predict the effect of missense changes on protein structure and function are either unavailable or do not agree on the potential impact of this missense change (SIFT: "Deleterious"; PolyPhen-2: "Not Available"; Align-GVGD: "Class C0"). In summary, the available evidence is currently insufficient to determine the role of this variant in disease. Therefore, it has been classified as a Variant of Uncertain Significance.